The following is an entry in ClinVar:

ClinVar aggregate classification (germline): Uncertain significance (1 of 4 stars; one submission).

Conditions:
Generalized epilepsy-paroxysmal dyskinesia syndrome (PNKD3). Also called: Generalized epilepsy and paroxysmal dyskinesia; Paroxysmal nonkinesigenic dyskinesia, 3, with or without generalized epilepsy. Identifiers: Orphanet 79137, MedGen C5574945, MONDO:0012276, OMIM 609446.

Submission:

Labcorp Genetics (formerly Invitae), Labcorp
Classification: Uncertain significance for Generalized epilepsy-paroxysmal dyskinesia syndrome. Last evaluated: 2023-11-27. Review status: criteria provided, single submitter. Criteria: Invitae Variant Classification Sherloc (09022015). Collection method: clinical testing. Allele origin: germline.
Comment: This sequence change replaces lysine, which is basic and polar, with asparagine, which is neutral and polar, at codon 767 of the KCNMA1 protein (p.Lys767Asn). This variant is not present in population databases (gnomAD no frequency). This variant has not been reported in the literature in individuals affected with KCNMA1-related conditions. Advanced modeling of protein sequence and biophysical properties (such as structural, functional, and spatial information, amino acid conservation, physicochemical variation, residue mobility, and thermodynamic stability) performed at Invitae indicates that this missense variant is not expected to disrupt KCNMA1 protein function with a negative predictive value of 80%. In summary, the available evidence is currently insufficient to determine the role of this variant in disease. Therefore, it has been classified as a Variant of Uncertain Significance.

NM_001161352.2(KCNMA1):c.2475A>T (p.Lys825Asn)

Genes: KCNMA1-AS1 (KCNMA1 antisense RNA 1; plus strand), KCNMA1 (potassium calcium-activated channel subfamily M alpha 1; minus strand). Cytogenetic location: 10q22.3.
Variant type: single nucleotide variant.
Coding change: c.2475A>T on transcript NM_001161352.2 (MANE Select); coding-DNA position 2475, A replaced by T.
Protein change: p.Lys825Asn; replaces lysine 825 with asparagine.
Molecular consequence: missense variant.
Genome position (GRCh38, 1-based): chr10:76,953,810, T>A on the plus strand (A>T on the coding strand, the complement: KCNMA1 is on the minus strand). VCF-style: chr10-76953810-T-A. GRCh37 (hg19) VCF-style: chr10-78713568-T-A.
Other names: c.2313A>T, p.Lys771Asn (NM_001014797.3, NM_001322835.2, NM_001322837.2); c.2301A>T, p.Lys767Asn (NM_001161353.2, NM_001322832.2, NM_001410940.1 and 1 more transcripts); c.2151A>T, p.Lys717Asn (NM_001271518.2); c.2310A>T, p.Lys770Asn (NM_001271519.2, NM_001322829.2, NM_001322836.2); c.2322A>T, p.Lys774Asn (NM_001322830.2); c.1848A>T, p.Lys616Asn (NM_001322838.2); short protein forms K771N, K825N, K616N, K717N, K770N, K774N, K767N.
Identifiers: ClinVar variation 2835204 (VCV002835204.3), dbSNP rs2550309730, ClinGen allele CA377407540.
Genomic context (GRCh38, chr10:76,953,810, plus strand): 5'-TGTGGTTTGGGGCAGAAGCGGGCAACATCAGATGCACAGTCCCTCACTCACCAGGATGAC[T>A]TTCTCTATCTCCTTGGGTGCACACCAGTGAAACATCCCAGTAGAGTCGTACTTCTTCACA-3'
Protein context (NP_001154824.1, residues 815-835): FHWCAPKEIE[Lys825Asn]VILTRSEAAM